The following is an entry in ClinVar:

NM_000059.4(BRCA2):c.1220A>G (p.Gln407Arg)

Gene: BRCA2 (BRCA2 DNA repair associated; plus strand). Cytogenetic location: 13q13.1.
Variant type: single nucleotide variant.
Coding change: c.1220A>G on transcript NM_000059.4 (MANE Select); coding-DNA position 1220, A replaced by G.
Protein change: p.Gln407Arg; replaces glutamine 407 with arginine.
Molecular consequence: missense variant.
Genome position (GRCh38, 1-based): chr13:32,332,698, A>G. VCF-style: chr13-32332698-A-G. GRCh37 (hg19) VCF-style: chr13-32906835-A-G.
Other names: short protein forms Q407R.
Identifiers: ClinVar variation 818621 (VCV000818621.18), dbSNP rs1593892264, ClinGen allele CA387762123.

ClinVar aggregate classification (germline): Conflicting classifications of pathogenicity. Review status: criteria provided, conflicting classifications (1 of 4 stars). 6 submissions from 6 submitters: Uncertain significance (5); Likely benign (1). Last evaluated 2024-01-28.

Conditions:
Hereditary cancer-predisposing syndrome. Also called: Hereditary Cancer Syndrome; Neoplastic Syndromes, Hereditary; Hereditary neoplastic syndrome; Tumor predisposition. Identifiers: Orphanet 140162, MedGen C0027672, MeSH D009386, MONDO:0015356.
Hereditary breast ovarian cancer syndrome. Also called: Hereditary breast and ovarian cancer syndrome (HBOC); Hereditary breast and ovarian cancer syndrome; Breast and ovarian cancer; Hereditary breast and/or ovarian cancer syndrome; BRCA1- and BRCA2-Associated Hereditary Breast and Ovarian Cancer; Hereditary breast and ovarian cancer. Identifiers: Orphanet 145, MedGen C0677776, MeSH D061325, MONDO:0003582. Disease mechanism: loss of function.
Fanconi anemia complementation group D1. Also called: BRCA2-Related Fanconi Anemia. Identifiers: Orphanet 319462, MedGen C1838457, MONDO:0011584, OMIM 605724.
Breast-ovarian cancer, familial, susceptibility to, 2 (BROVCA2). Also called: BRCA2 Hereditary Breast and Ovarian Cancer. Identifiers: Orphanet 145, MedGen C2675520, MONDO:0012933, OMIM 612555. Disease mechanism: loss of function.

Submissions (6):

Labcorp Genetics (formerly Invitae), Labcorp
Classification: Uncertain significance for Hereditary breast ovarian cancer syndrome. Last evaluated: 2024-01-28. Review status: criteria provided, single submitter. Criteria: Invitae Variant Classification Sherloc (09022015). Collection method: clinical testing. Allele origin: germline.
Comment: This sequence change replaces glutamine, which is neutral and polar, with arginine, which is basic and polar, at codon 407 of the BRCA2 protein (p.Gln407Arg). This variant is not present in population databases (gnomAD no frequency). This variant has not been reported in the literature in individuals affected with BRCA2-related conditions. ClinVar contains an entry for this variant (Variation ID: 818621). Advanced modeling of protein sequence and biophysical properties (such as structural, functional, and spatial information, amino acid conservation, physicochemical variation, residue mobility, and thermodynamic stability) performed at Invitae indicates that this missense variant is not expected to disrupt BRCA2 protein function with a negative predictive value of 95%. In summary, the available evidence is currently insufficient to determine the role of this variant in disease. Therefore, it has been classified as a Variant of Uncertain Significance.

University of Washington Department of Laboratory Medicine, University of Washington
Classification: Likely benign for Hereditary cancer-predisposing syndrome. Last evaluated: 2023-03-23. Review status: criteria provided, single submitter. Criteria: Dines et al. (Genet Med. 2020). Collection method: curation. Allele origin: germline.
Comment: Missense variant in a coldspot region where missense variants are very unlikely to be pathogenic (PMID:31911673).

BRCA2 exon 10 coldspot. Reclassification based on statistical prior probability.

Victorian Clinical Genetics Services, Murdoch Childrens Research Institute
Classification: Uncertain significance for Fanconi anemia complementation group D1. Last evaluated: 2022-06-24. Review status: criteria provided, single submitter. Criteria: ACMG Guidelines, 2015. Collection method: clinical testing. Allele origin: germline. Inheritance: Autosomal recessive inheritance. Affected: yes.
Comment: Based on the classification scheme VCGS_Germline_v1.3.4, this variant is classified as VUS-3B. Following criteria are met: 0102 - Loss of function is a known mechanism of disease in this gene and is associated with autosomal dominant BRCA2-related cancer and recessive fanconi anemia, complementation group D1 (MIM#605724). (I) 0108 - This gene is associated with both recessive and dominant disease (OMIM). (I) 0112 - The condition associated with this gene has incomplete penetrance. BRCA2-related cancers are known to have incomplete penetrance (GeneReviews). (I) 0200 - Variant is predicted to result in a missense amino acid change from glutamine to arginine. (I) 0251 - This variant is heterozygous. (I) 0301 - Variant is absent from gnomAD (both v2 and v3). (SP) 0309 - An alternative amino acid change at the same position has been observed in gnomAD (v2) (3 heterozygotes, 0 homozygotes). (I) 0503 - Missense variant consistently predicted to be tolerated by multiple in silico tools or not conserved in placental mammals with a minor amino acid change. (SB) 0604 - Variant is not located in an established domain, motif, hotspot or informative constraint region. (I) 0710 - Other missense variants comparable to the one identified in this case have inconclusive previous evidence for pathogenicity. These comparable changes (p.(Gln407His), p.(Gln407Glu)) has been reported as a VUS, and observed in both control and cancer cohorts (LOVD, PMID: 29641532, PMID: 21120943, PMID: 29310832, PMID: 33808557). (I) 0809 - Previous evidence of pathogenicity for this variant is inconclusive. This variant has been reported as a VUS (ClinVar). (I) 0905 - No published segregation evidence has been identified for this variant. (I) 1007 - No published functional evidence has been identified for this variant. (I) 1201 - Heterozygous variant detected in trans with a second pathogenic heterozygous variant (p.(Leu2357Valfs*2)) in a recessive disease. (I) Legend: (SP) - Supporting pathogenic, (I) - Information, (SB) - Supporting benign

Color Diagnostics, LLC DBA Color Health
Classification: Uncertain significance for Hereditary cancer-predisposing syndrome. Last evaluated: 2022-02-28. Review status: criteria provided, single submitter. Criteria: ACMG Guidelines, 2015. Collection method: clinical testing. Allele origin: germline.
Comment: This missense variant replaces glutamine with arginine at codon 407 of the BRCA2 protein. Computational prediction suggests that this variant may not impact protein structure and function (internally defined REVEL score threshold <= 0.5, PMID: 27666373). To our knowledge, functional studies have not been reported for this variant. This variant has not been reported in individuals affected with hereditary cancer in the literature. This variant has not been identified in the general population by the Genome Aggregation Database (gnomAD). The available evidence is insufficient to determine the role of this variant in disease conclusively. Therefore, this variant is classified as a Variant of Uncertain Significance.

Genetics and Molecular Pathology, SA Pathology
Classification: Uncertain significance for Breast-ovarian cancer, familial, susceptibility to, 2. Last evaluated: 2021-03-14. Review status: criteria provided, single submitter. Criteria: ACMG Guidelines, 2015. Collection method: clinical testing. Allele origin: germline. Affected: yes.

Ambry Genetics
Classification: Uncertain significance for Hereditary cancer-predisposing syndrome. Last evaluated: 2018-10-12. Review status: criteria provided, single submitter. Criteria: Ambry Variant Classification Scheme 2023. Collection method: clinical testing. Allele origin: germline.
Comment: The p.Q407R variant (also known as c.1220A>G), located in coding exon 9 of the BRCA2 gene, results from an A to G substitution at nucleotide position 1220. The glutamine at codon 407 is replaced by arginine, an amino acid with highly similar properties. This amino acid position is well conserved in available vertebrate species. In addition, this alteration is predicted to be tolerated by in silico analysis. Since supporting evidence is limited at this time, the clinical significance of this alteration remains unclear.

Literature cited by the submitters: PubMed 21120943 (cited by Victorian Clinical Genetics Services, Murdoch Childrens Research Institute); PubMed 29310832 (cited by Victorian Clinical Genetics Services, Murdoch Childrens Research Institute); PubMed 29641532 (cited by Victorian Clinical Genetics Services, Murdoch Childrens Research Institute); PubMed 33808557 (cited by Victorian Clinical Genetics Services, Murdoch Childrens Research Institute).